The following is an entry in ClinVar:

NM_015122.3(FCHO1):c.80C>T (p.Pro27Leu)

Gene: FCHO1 (FCH and mu domain containing endocytic adaptor 1; plus strand). Cytogenetic location: 19p13.11.
Variant type: single nucleotide variant.
Coding change: c.80C>T on transcript NM_015122.3 (MANE Select); coding-DNA position 80, C replaced by T.
Protein change: p.Pro27Leu; replaces proline 27 with leucine.
Molecular consequence: missense variant. On other transcripts: 5 prime UTR variant (6), non-coding transcript variant (36).
Genome position (GRCh38, 1-based): chr19:17,762,814, C>T. VCF-style: chr19-17762814-C-T. GRCh37 (hg19) VCF-style: chr19-17873623-C-T.
Other names: c.80C>T, p.Pro27Leu (NM_001161357.2, NM_001161358.2, NM_001384370.1 and 30 more transcripts); c.-71C>T (NM_001161359.2, NM_001384384.1, NM_001384385.1 and 3 more transcripts); short protein forms P27L.
Identifiers: ClinVar variation 2757897 (VCV002757897.2), dbSNP rs1019022681, ClinGen allele CA306105861.

ClinVar aggregate classification (germline): Uncertain significance (1 of 4 stars; one submission).

Allele frequency attached by ClinVar (database versions not stated): gnomAD exomes 0.00001.
gnomAD v4.1: 3 of 1,614,010 alleles (0.00019%); highest among the groups gnomAD compares: Non-Finnish European, 0.00025%; no homozygotes.

Submission:

Labcorp Genetics (formerly Invitae), Labcorp
Classification: Uncertain significance. Last evaluated: 2023-09-08. Review status: criteria provided, single submitter. Criteria: Invitae Variant Classification Sherloc (09022015). Collection method: clinical testing. Allele origin: germline.
Comment: This sequence change replaces proline, which is neutral and non-polar, with leucine, which is neutral and non-polar, at codon 27 of the FCHO1 protein (p.Pro27Leu). In summary, the available evidence is currently insufficient to determine the role of this variant in disease. Therefore, it has been classified as a Variant of Uncertain Significance. An algorithm developed to predict the effect of missense changes on protein structure and function (PolyPhen-2) suggests that this variant is likely to be disruptive. This variant has not been reported in the literature in individuals affected with FCHO1-related conditions. This variant is present in population databases (no rsID available, gnomAD 0.002%).